The following is an entry in ClinVar:

NM_003070.5(SMARCA2):c.597C>T (p.Pro199=)

Gene: SMARCA2 (SWI/SNF related BAF chromatin remodeling complex subunit ATPase 2; plus strand). Cytogenetic location: 9p24.3.
Variant type: single nucleotide variant.
Coding change: c.597C>T on transcript NM_003070.5 (MANE Select); coding-DNA position 597, C replaced by T.
Protein change: p.Pro199=; no amino-acid change (proline 199 retained).
Molecular consequence: synonymous variant.
Genome position (GRCh38, 1-based): chr9:2,039,707, C>T. VCF-style: chr9-2039707-C-T. GRCh37 (hg19) VCF-style: chr9-2039707-C-T.
Other names: c.597C>T, p.Pro199= (NM_001289396.2, NM_001289397.2, NM_139045.4).
Identifiers: ClinVar variation 914909 (VCV000914909.22), dbSNP rs747247552, ClinGen allele CA4962886.

ClinVar aggregate classification (germline): Benign/Likely benign. Review status: criteria provided, multiple submitters, no conflicts (2 of 4 stars). 2 submissions from 2 submitters: Benign (1); Likely benign (1). Last evaluated 2024-06-01.

Conditions:
Nicolaides-Baraitser syndrome (NCBRS). Also called: SMARCA2-Related Nicolaides-Baraitser Syndrome; Intellectual disability-sparse hair-brachydactyly syndrome. Identifiers: Orphanet 3051, MedGen C1303073, MONDO:0011053, OMIM 601358.

Allele frequency attached by ClinVar (database versions not stated): gnomAD 0.00001 and 0.00002; ExAC 0.00004; gnomAD exomes 0.00004; TOPMed 0.00005.
gnomAD v4.1: 59 of 1,613,854 alleles (0.0037%); highest among the groups gnomAD compares: South Asian, 0.018%; no homozygotes.

Submissions (2):

CeGaT Center for Human Genetics Tuebingen
Classification: Likely benign. Last evaluated: 2024-06-01. Review status: criteria provided, single submitter. Criteria: CeGaT Center For Human Genetics Tuebingen Variant Classification Criteria Version 2. Collection method: clinical testing. Allele origin: germline. Affected: yes. Observed: 1 variant allele.
Comment: SMARCA2: BP4, BP7

Illumina Laboratory Services, Illumina
Classification: Benign for Nicolaides-Baraitser syndrome. Last evaluated: 2018-03-26. Review status: criteria provided, single submitter. Criteria: ICSL Variant Classification Criteria 13 December 2019. Collection method: clinical testing. Allele origin: germline.
Comment: This variant was observed in the ICSL laboratory as part of a predisposition screen in an ostensibly healthy population. It had not been previously curated by ICSL or reported in the Human Gene Mutation Database (HGMD: prior to June 1st, 2018), and was therefore a candidate for classification through an automated scoring system. Utilizing variant allele frequency, disease prevalence and penetrance estimates, and inheritance mode, an automated score was calculated to assess if this variant is too frequent to cause the disease. Based on the score and internal cut-off values, a variant classified as benign is not then subjected to further curation. The score for this variant resulted in a classification of benign for this disease.